The following is an entry in ClinVar:

ClinVar aggregate classification (germline): Likely benign (0 of 4 stars; one submission).

Conditions:
RBFOX3-related disorder. Also called: RBFOX3-related condition.

gnomAD v4.1: 57 of 826,408 alleles (0.0069%); highest among the groups gnomAD compares: Middle Eastern, 0.067%; no homozygotes.

Submission:

PreventionGenetics, part of Exact Sciences
Classification: Likely benign for RBFOX3-related condition. Last evaluated: 2019-02-22. Review status: no assertion criteria provided. Collection method: clinical testing. Allele origin: germline.
Comment: This variant is classified as likely benign based on ACMG/AMP sequence variant interpretation guidelines (Richards et al. 2015 PMID: 25741868, with internal and published modifications).

NM_001350451.2(RBFOX3):c.-10G>A

Gene: RBFOX3 (RNA binding fox-1 homolog 3; minus strand). Cytogenetic location: 17q25.3.
Variant type: single nucleotide variant.
Coding change: c.-10G>A on transcript NM_001350451.2 (MANE Select); 10 bases upstream of the start codon, G replaced by A.
Molecular consequence: 5 prime UTR variant.
Genome position (GRCh38, 1-based): chr17:79,115,725, C>T on the plus strand (G>A on the coding strand, the complement: RBFOX3 is on the minus strand). VCF-style: chr17-79115725-C-T. GRCh37 (hg19) VCF-style: chr17-77111807-C-T.
Other names: c.-10G>A (NM_001082575.3, NM_001350453.2, NM_001385804.1 and 43 more transcripts).
Identifiers: ClinVar variation 3352807 (VCV003352807.1).